The following is an entry in ClinVar:

ClinVar aggregate classification (germline): Pathogenic/Likely pathogenic. Review status: criteria provided, multiple submitters, no conflicts (2 of 4 stars). 2 submissions from 2 submitters: Pathogenic (1); Likely pathogenic (1). Last evaluated 2025-06-12.

Conditions:
Glycogen storage disease type III (GSD3). Also called: FORBES DISEASE; Cori disease. Identifiers: Orphanet 366, MedGen C0017922, MONDO:0009291, OMIM 232400.

Submissions (2):

Labcorp Genetics (formerly Invitae), Labcorp
Classification: Likely pathogenic for Glycogen storage disease type III. Last evaluated: 2025-06-12. Review status: criteria provided, single submitter. Criteria: Invitae Variant Classification Sherloc (09022015). Collection method: clinical testing. Allele origin: germline.
Comment: This sequence change affects an acceptor splice site in intron 22 of the AGL gene. It is expected to disrupt RNA splicing. Variants that disrupt the donor or acceptor splice site typically lead to a loss of protein function (PMID: 16199547), and loss-of-function variants in AGL are known to be pathogenic (PMID: 19299494). This variant is not present in population databases (gnomAD no frequency). Disruption of this splice site has been observed in individual(s) with glycogen storage disease (PMID: 31319225). ClinVar contains an entry for this variant (Variation ID: 1685510). Algorithms developed to predict the effect of sequence changes on RNA splicing suggest that this variant may disrupt the consensus splice site. In summary, the currently available evidence indicates that the variant is pathogenic, but additional data are needed to prove that conclusively. Therefore, this variant has been classified as Likely Pathogenic.

Mendelics
Classification: Pathogenic for Glycogen storage disease type III. Last evaluated: 2022-05-04. Review status: criteria provided, single submitter. Criteria: Mendelics Assertion Criteria 2019. Collection method: clinical testing. Allele origin: germline.

Literature cited by the submitters: PubMed 16199547 (cited by Labcorp Genetics (formerly Invitae), Labcorp); PubMed 19299494 (cited by Labcorp Genetics (formerly Invitae), Labcorp); PubMed 31319225 (cited by Labcorp Genetics (formerly Invitae), Labcorp).

NM_000642.3(AGL):c.2950-1G>C

Gene: AGL (amylo-alpha-1,6-glucosidase and 4-alpha-glucanotransferase; plus strand). Cytogenetic location: 1p21.2.
Variant type: single nucleotide variant.
Coding change: c.2950-1G>C on transcript NM_000642.3 (MANE Select); the canonical splice acceptor site of the intron before coding-DNA position 2950, G replaced by C.
Molecular consequence: splice acceptor variant.
Genome position (GRCh38, 1-based): chr1:99,891,605, G>C. VCF-style: chr1-99891605-G-C. GRCh37 (hg19) VCF-style: chr1-100357161-G-C.
Other names: c.2950-1G>C (NM_000643.3, NM_000644.3, NM_001425325.1 and 1 more transcripts); c.2902-1G>C (NM_000646.3); c.2929-1G>C (NM_001425326.1); c.2749-1G>C (NM_001425327.1); c.2746-1G>C (NM_001425328.1); c.2611-1G>C (NM_001425329.1); c.2572-1G>C (NM_001425332.1).
Identifiers: ClinVar variation 1685510 (VCV001685510.4), dbSNP rs1057516793, ClinGen allele CA341325507.